The following is an entry in ClinVar:

ClinVar aggregate classification (germline): Conflicting classifications of pathogenicity. Review status: criteria provided, conflicting classifications (1 of 4 stars). 2 submissions from 2 submitters: Uncertain significance (1); Likely benign (1). Last evaluated 2024-10-09.

Conditions:
Hereditary cancer-predisposing syndrome. Also called: Neoplastic Syndromes, Hereditary; Hereditary Cancer Syndrome; Tumor predisposition; Hereditary neoplastic syndrome. Identifiers: Orphanet 140162, MedGen C0027672, MeSH D009386, MONDO:0015356.

Allele frequency attached by ClinVar (database versions not stated): gnomAD exomes below 0.00001.

Submissions (2):

Quest Diagnostics Nichols Institute San Juan Capistrano
Classification: Uncertain significance. Last evaluated: 2024-10-09. Review status: criteria provided, single submitter. Criteria: Quest Diagnostics criteria. Collection method: clinical testing. Allele origin: unknown.
Comment: The RAD50 c.1636-8dup variant has not been reported in individuals with RAD50-related conditions in the published literature. It also has not been reported in large, multi-ethnic general populations (Genome Aggregation Database). Analysis of this variant using software algorithms for the prediction of the effect of nucleotide changes on splicing yielded predictions that this variant does not affect RAD50 mRNA splicing. Based on the available information, we are unable to determine the clinical significance of this variant.

Labcorp Genetics (formerly Invitae), Labcorp
Classification: Likely benign for Hereditary cancer-predisposing syndrome. Last evaluated: 2022-08-12. Review status: criteria provided, single submitter. Criteria: Invitae Variant Classification Sherloc (09022015). Collection method: clinical testing. Allele origin: germline.

NM_005732.4(RAD50):c.1636-8dup

Gene: RAD50 (RAD50 double strand break repair protein; plus strand). Cytogenetic location: 5q31.1.
Variant type: Duplication.
Coding change: c.1636-8dup on transcript NM_005732.4 (MANE Select); 8 bases into the intron before coding-DNA position 1636, one base duplicated (A; older notation c.1636-8dupA).
Molecular consequence: intron variant.
Genome position (GRCh38, 1-based): chr5:132,591,869, A duplicated. VCF-style (leftmost placement, unchanged base first): chr5-132591868-T-TA. GRCh37 (hg19) VCF-style: chr5-131927560-T-TA.
Identifiers: ClinVar variation 743614 (VCV000743614.12), dbSNP rs1580994751, ClinGen allele CA915943552.